The following is an entry in ClinVar:

NM_004006.3(DMD):c.7873-7T>G

Gene: DMD (dystrophin; minus strand). Cytogenetic location: Xp21.1.
Variant type: single nucleotide variant.
Coding change: c.7873-7T>G on transcript NM_004006.3 (MANE Select); 7 bases into the intron before coding-DNA position 7873, T replaced by G.
Molecular consequence: intron variant.
Genome position (GRCh38, 1-based): chrX:31,658,151, A>C on the plus strand (T>G on the coding strand, the complement: DMD is on the minus strand). VCF-style: chrX-31658151-A-C. GRCh37 (hg19) VCF-style: chrX-31676268-A-C.
Other names: c.7849-7T>G (NM_000109.4); c.3850-7T>G (NM_004011.4); c.3841-7T>G (NM_004012.4); c.493-7T>G (NM_004023.3, NM_004020.4, NM_004022.3 and 2 more transcripts); c.7861-7T>G (NM_004009.3); c.7504-7T>G (NM_004010.3).
Identifiers: ClinVar variation 288823 (VCV000288823.7), dbSNP rs886044016, ClinGen allele CA10606235.

ClinVar aggregate classification (germline): Uncertain significance. Review status: criteria provided, multiple submitters, no conflicts (2 of 4 stars). 2 submissions from 2 submitters: Uncertain significance (2). Last evaluated 2024-07-10.

Conditions:
Duchenne muscular dystrophy (DMD). Also called: Duchenne Muscular Dystrophy (DMD); MUSCULAR DYSTROPHY, PSEUDOHYPERTROPHIC PROGRESSIVE, DUCHENNE TYPE. Identifiers: Orphanet 98896, MedGen C0013264, MONDO:0010679, OMIM 310200.

Submissions (2):

Labcorp Genetics (formerly Invitae), Labcorp
Classification: Uncertain significance for Duchenne muscular dystrophy. Last evaluated: 2024-07-10. Review status: criteria provided, single submitter. Criteria: Invitae Variant Classification Sherloc (09022015). Collection method: clinical testing. Allele origin: germline.
Comment: This sequence change falls in intron 53 of the DMD gene. It does not directly change the encoded amino acid sequence of the DMD protein. This variant is not present in population databases (gnomAD no frequency). This variant has not been reported in the literature in individuals affected with DMD-related conditions. ClinVar contains an entry for this variant (Variation ID: 288823). Algorithms developed to predict the effect of sequence changes on RNA splicing suggest that this variant may disrupt the consensus splice site. In summary, the available evidence is currently insufficient to determine the role of this variant in disease. Therefore, it has been classified as a Variant of Uncertain Significance.

Eurofins Ntd Llc (ga)
Classification: Uncertain significance. Last evaluated: 2018-07-02. Review status: criteria provided, single submitter. Criteria: EGL ClinVar v180209 classification definitions. Collection method: clinical testing. Allele origin: germline. Observed: 1 variant allele, 1 hemizygote.